The following is an entry in ClinVar:

NM_000334.4(SCN4A):c.1018G>A (p.Ala340Thr)

Gene: SCN4A (sodium voltage-gated channel alpha subunit 4; minus strand). Cytogenetic location: 17q23.3.
Variant type: single nucleotide variant.
Coding change: c.1018G>A on transcript NM_000334.4 (MANE Select); coding-DNA position 1018, G replaced by A.
Protein change: p.Ala340Thr; replaces alanine 340 with threonine.
Molecular consequence: missense variant.
Genome position (GRCh38, 1-based): chr17:63,968,041, C>T on the plus strand (G>A on the coding strand, the complement: SCN4A is on the minus strand). VCF-style: chr17-63968041-C-T. GRCh37 (hg19) VCF-style: chr17-62045401-C-T.
Other names: short protein forms A340T.
Identifiers: ClinVar variation 429845 (VCV000429845.21), dbSNP rs147936148, ClinGen allele CA8709973.

ClinVar aggregate classification (germline): Conflicting classifications of pathogenicity. Review status: criteria provided, conflicting classifications (1 of 4 stars). 11 submissions from 7 submitters: Uncertain significance (5); Benign (4); Likely benign (1). 1 of the submissions does not count toward it. Last evaluated 2025-10-24.

Conditions:
Microcephaly. Also called: Microcephaly (disease). Identifiers: MedGen C4551563, MONDO:0001149, HP:0000252.
Paramyotonia congenita of Von Eulenburg. Also called: Paramyotonia Congenita; Eulenburg disease; Myotonia congenita intermittens; Von Eulenburg paramyotonia congenita; PARALYSIS PERIODICA PARAMYOTONICA. Identifiers: Orphanet 684, MedGen C0221055, MONDO:0008195, OMIM 168300. Disease mechanism: loss of function.
Potassium-aggravated myotonia. Also called: MYOTONIA CONGENITA, ACETAZOLAMIDE-RESPONSIVE; MYOTONIA CONGENITA, ATYPICAL; SODIUM CHANNEL MUSCLE DISEASE; Myotonia congenita, atypical, acetazolamide-responsive. Identifiers: Orphanet 612, Orphanet 99734, Orphanet 99735, Orphanet 99736, MedGen C2931826, MONDO:0018959, OMIM 608390.
Hypokalemic periodic paralysis, type 2 (HOKPP2). Identifiers: Orphanet 681, MedGen C2750061, MONDO:0013234, OMIM 613345.
Hypokalemic periodic paralysis, type 1. Also called: Hypokalemic Periodic Paralysis Type 1 (AD); HypoPP. Identifiers: Orphanet 681, MedGen C3714580, MONDO:0042979, OMIM 170400.
Hyperkalemic periodic paralysis. Also called: Familial hyperkalemic periodic paralysis; Gamstorp disease. Identifiers: Orphanet 682, MedGen C0238357, MONDO:0008224, OMIM 170500, HP:0007215.
Congenital myasthenic syndrome 16. Identifiers: Orphanet 590, MedGen C3280112, MONDO:0013620, OMIM 614198.

Allele frequency attached by ClinVar (database versions not stated): TOPMed 0.00015; gnomAD exomes 0.00019 and 0.00010; 1000 Genomes Project 0.00060; gnomAD 0.00011 and 0.00013; ExAC 0.00017; 1000 Genomes Project 30x 0.00047.
gnomAD v4.1: 168 of 1,613,834 alleles (0.01%); highest among the groups gnomAD compares: East Asian, 0.23%; no homozygotes.

Submissions (11):

Labcorp Genetics (formerly Invitae), Labcorp
Classification: Likely benign for Hyperkalemic periodic paralysis. Last evaluated: 2025-10-24. Review status: criteria provided, single submitter. Criteria: Invitae Variant Classification Sherloc (09022015). Collection method: clinical testing. Allele origin: germline.

GeneDx
Classification: Uncertain significance. Last evaluated: 2024-08-21. Review status: criteria provided, single submitter. Criteria: GeneDx Variant Classification Process June 2021. Collection method: clinical testing. Allele origin: germline. Affected: yes.
Comment: In silico analysis indicates that this missense variant does not alter protein structure/function; Has not been previously published as pathogenic or benign to our knowledge

Blueprint Genetics
Classification: Uncertain significance. Last evaluated: 2024-03-28. Review status: criteria provided, single submitter. Criteria: ACMG Guidelines, 2015. Collection method: clinical testing. Allele origin: germline.

Revvity Omics, Revvity
Classification: Uncertain significance. Last evaluated: 2019-05-09. Review status: criteria provided, single submitter. Criteria: ACMG Guidelines, 2015. Collection method: clinical testing. Allele origin: germline.

Fulgent Genetics
Classification: Uncertain significance for Paramyotonia congenita of Von Eulenburg; Hypokalemic periodic paralysis, type 1; Hyperkalemic periodic paralysis; Potassium-aggravated myotonia; Hypokalemic periodic paralysis, type 2; Congenital myasthenic syndrome 16. Last evaluated: 2018-10-31. Review status: criteria provided, single submitter. Criteria: ACMG Guidelines, 2015. Collection method: clinical testing. Allele origin: unknown.

Illumina Laboratory Services, Illumina
Classification: Benign for Potassium-aggravated myotonia. Last evaluated: 2018-01-13. Review status: criteria provided, single submitter. Criteria: ICSL Variant Classification Criteria 13 December 2019. Collection method: clinical testing. Allele origin: germline.
Comment: This variant was observed in the ICSL laboratory as part of a predisposition screen in an ostensibly healthy population. It had not been previously curated by ICSL or reported in the Human Gene Mutation Database (HGMD: prior to June 1st, 2018), and was therefore a candidate for classification through an automated scoring system. Utilizing variant allele frequency, disease prevalence and penetrance estimates, and inheritance mode, an automated score was calculated to assess if this variant is too frequent to cause the disease. Based on the score and internal cut-off values, a variant classified as benign is not then subjected to further curation. The score for this variant resulted in a classification of benign for this disease.

Illumina Laboratory Services, Illumina
Classification: Benign for Hyperkalemic periodic paralysis. Last evaluated: 2018-01-13. Review status: criteria provided, single submitter. Criteria: ICSL Variant Classification Criteria 13 December 2019. Collection method: clinical testing. Allele origin: germline.
Comment: the same text as in the submission from Illumina Laboratory Services, Illumina above.

Illumina Laboratory Services, Illumina
Classification: Uncertain significance for Congenital myasthenic syndrome 16. Last evaluated: 2018-01-13. Review status: criteria provided, single submitter. Criteria: ICSL Variant Classification Criteria 13 December 2019. Collection method: clinical testing. Allele origin: germline.

Illumina Laboratory Services, Illumina
Classification: Benign for Hypokalemic periodic paralysis, type 2. Last evaluated: 2018-01-13. Review status: criteria provided, single submitter. Criteria: ICSL Variant Classification Criteria 13 December 2019. Collection method: clinical testing. Allele origin: germline.
Comment: the same text as in the submission from Illumina Laboratory Services, Illumina above.

Illumina Laboratory Services, Illumina
Classification: Benign for Paramyotonia congenita of Von Eulenburg. Last evaluated: 2018-01-13. Review status: criteria provided, single submitter. Criteria: ICSL Variant Classification Criteria 13 December 2019. Collection method: clinical testing. Allele origin: germline.
Comment: the same text as in the submission from Illumina Laboratory Services, Illumina above.

Department of Pediatrics, Samsung Medical Center, Samsung Medical Center
Classification: Uncertain significance for Microcephaly. Review status: no assertion criteria provided. Criteria: ACMG Guidelines, 2015. Collection method: research. Allele origin: germline. Affected: yes. Not counted in ClinVar's aggregate classification.